The following is an entry in ClinVar:

ClinVar aggregate classification (germline): Uncertain significance (1 of 4 stars; one submission).

Allele frequency attached by ClinVar (database versions not stated): ExAC 0.00004; ESP Exome Variant Server 0.00012.
gnomAD v4.1: 35 of 1,612,614 alleles (0.0022%); highest among the groups gnomAD compares: African/African-American, 0.029%; no homozygotes.

Submission:

Labcorp Genetics (formerly Invitae), Labcorp
Classification: Uncertain significance. Last evaluated: 2025-10-15. Review status: criteria provided, single submitter. Criteria: Invitae Variant Classification Sherloc (09022015). Collection method: clinical testing. Allele origin: germline.
Comment: This sequence change replaces arginine, which is basic and polar, with cysteine, which is neutral and slightly polar, at codon 682 of the SKIV2L protein (p.Arg682Cys). This variant is present in population databases (rs145789524, gnomAD 0.04%). This variant has not been reported in the literature in individuals affected with SKIV2L-related conditions. ClinVar contains an entry for this variant (Variation ID: 1428740). An algorithm developed to predict the effect of missense changes on protein structure and function (PolyPhen-2) suggests that this variant is likely to be disruptive. In summary, the available evidence is currently insufficient to determine the role of this variant in disease. Therefore, it has been classified as a Variant of Uncertain Significance.

NM_006929.5(SKIC2):c.2044C>T (p.Arg682Cys)

Gene: SKIC2 (SKI2 subunit of superkiller complex; plus strand). Cytogenetic location: 6p21.33.
Variant type: single nucleotide variant.
Coding change: c.2044C>T on transcript NM_006929.5 (MANE Select); coding-DNA position 2044, C replaced by T.
Protein change: p.Arg682Cys; replaces arginine 682 with cysteine.
Molecular consequence: missense variant.
Genome position (GRCh38, 1-based): chr6:31,965,855, C>T. VCF-style: chr6-31965855-C-T. GRCh37 (hg19) VCF-style: chr6-31933632-C-T.
Other names: short protein forms R682C.
Identifiers: ClinVar variation 1428740 (VCV001428740.5), dbSNP rs145789524, ClinGen allele CA3729669.